The following is an entry in ClinVar:

NC_000011.10:g.47346380G>A

Gene: MYBPC3 (myosin binding protein C3; minus strand). Cytogenetic location: 11p11.2.
Variant type: single nucleotide variant.
Genome position: GRCh38 VCF-style: chr11-47346380-G-A. GRCh37 (hg19) VCF-style: chr11-47367931-G-A.
Other names: c.927-10C>T (NM_000256.3, LRG_386t1).
Identifiers: ClinVar variation 304961 (VCV000304961.19), dbSNP rs201078659, ClinGen allele CA10631017.

ClinVar aggregate classification (germline): Conflicting classifications of pathogenicity. Review status: criteria provided, conflicting classifications (1 of 4 stars). 6 submissions from 6 submitters: Uncertain significance (1); Likely benign (5). Last evaluated 2025-10-20.

Conditions:
MYBPC3-related disorder. Also called: MYBPC3-related condition; MYBPC3-related disease; MYBPC3-related disorders.
Cardiomyopathy (CMYO). Also called: Cardiomyopathies. Identifiers: Orphanet 167848, MedGen C0878544, MONDO:0004994, HP:0001638. Inheritance: Various modes of inheritance.
Hypertrophic cardiomyopathy. Also called: HYPERTROPHIC MYOCARDIOPATHY. Identifiers: Orphanet 217569, MedGen C0007194, MeSH D002312, MONDO:0005045, HP:0001639.

Allele frequency attached by ClinVar (database versions not stated): TOPMed 0.00002; gnomAD exomes 0.00003.
gnomAD v4.1: 37 of 1,559,882 alleles (0.0024%); highest among the groups gnomAD compares: Middle Eastern, 0.069%; no homozygotes.

Submissions (6):

PreventionGenetics, part of Exact Sciences
Classification: Likely benign for MYBPC3-related condition. Last evaluated: 2025-10-20. Review status: criteria provided, single submitter. Criteria: ACMG Guidelines, 2015. Collection method: clinical testing. Allele origin: germline.
Comment: This variant is classified as likely benign based on ACMG/AMP sequence variant interpretation guidelines (Richards et al. 2015 PMID: 25741868, with internal and published modifications).

Labcorp Genetics (formerly Invitae), Labcorp
Classification: Likely benign for Hypertrophic cardiomyopathy. Last evaluated: 2025-01-28. Review status: criteria provided, single submitter. Criteria: Invitae Variant Classification Sherloc (09022015). Collection method: clinical testing. Allele origin: germline.

All of Us Research Program, National Institutes of Health
Classification: Likely benign for Hypertrophic cardiomyopathy. Last evaluated: 2023-09-17. Review status: criteria provided, single submitter. Criteria: ACMG Guidelines, 2015. Collection method: clinical testing. Allele origin: germline. Inheritance: Autosomal dominant inheritance. Observed: 4 variant alleles, 4 heterozygotes.
Comment: This study involves interpretation of variants in research participants for the purpose of population health screening. Participant phenotype was not available at the time of variant classification. Additional details can be found in publication PMID: 35346344, PMCID: PMC8962531

CHEO Genetics Diagnostic Laboratory, Children's Hospital of Eastern Ontario
Classification: Uncertain significance for Cardiomyopathy. Last evaluated: 2022-07-18. Review status: criteria provided, single submitter. Criteria: ACMG Guidelines, 2015. Collection method: clinical testing. Allele origin: germline.

GeneDx
Classification: Likely benign. Last evaluated: 2021-05-26. Review status: criteria provided, single submitter. Criteria: GeneDx Variant Classification Process June 2021. Collection method: clinical testing. Allele origin: germline. Affected: yes.
Comment: Has not been previously published as pathogenic or benign to our knowledge; This variant is associated with the following publications: (PMID: 32841044)

Color Diagnostics, LLC DBA Color Health
Classification: Likely benign for Cardiomyopathy. Last evaluated: 2019-03-07. Review status: criteria provided, single submitter. Criteria: ACMG Guidelines, 2015. Collection method: clinical testing. Allele origin: germline.